The following is an entry in ClinVar:

NM_022041.4(GAN):c.358C>A (p.Leu120Met)

Gene: GAN (gigaxonin; plus strand). Cytogenetic location: 16q23.2.
Variant type: single nucleotide variant.
Coding change: c.358C>A on transcript NM_022041.4 (MANE Select); coding-DNA position 358, C replaced by A.
Protein change: p.Leu120Met; replaces leucine 120 with methionine.
Molecular consequence: missense variant. On other transcripts: 5 prime UTR variant (1).
Genome position (GRCh38, 1-based): chr16:81,354,480, C>A. VCF-style: chr16-81354480-C-A. GRCh37 (hg19) VCF-style: chr16-81388085-C-A.
Other names: c.-282C>A (NM_001377486.1); short protein forms L120M.
Identifiers: ClinVar variation 933429 (VCV000933429.9), dbSNP rs113655220, ClinGen allele CA396867693.
Genomic context (GRCh38, chr16:81,354,480, plus strand): 5'-GATACAATCCAAGATGTTGTTCAGGCAGCTGACCTGCTGCTACTGACGGACCTTAAAACC[C>A]TGTGCTGTGAGTTTTTGGAAGGCTGCATTGCTGCTGAGAACTGTATTGGTATCCGTGACT-3'
Protein context (NP_071324.1, residues 110-130): DLLLLTDLKT[Leu120Met]CCEFLEGCIA

ClinVar aggregate classification (germline): Uncertain significance (1 of 4 stars; one submission).

Conditions:
Giant axonal neuropathy 1 (GAN1). Also called: GIANT AXONAL NEUROPATHY 1, AUTOSOMAL RECESSIVE; GAN-Related Neurodegeneration. Identifiers: Orphanet 643, MedGen C1850386, MONDO:0009749, OMIM 256850.

gnomAD v4.1: 1 of 1,614,104 alleles (0.000062%); highest among the groups gnomAD compares: Non-Finnish European, 0.000085%; no homozygotes.

Submission:

Labcorp Genetics (formerly Invitae), Labcorp
Classification: Uncertain significance for Giant axonal neuropathy 1. Last evaluated: 2019-06-07. Review status: criteria provided, single submitter. Criteria: Invitae Variant Classification Sherloc (09022015). Collection method: clinical testing. Allele origin: germline.
Comment: This variant is not present in population databases (ExAC no frequency). This sequence change replaces leucine with methionine at codon 120 of the GAN protein (p.Leu120Met). The leucine residue is highly conserved and there is a small physicochemical difference between leucine and methionine. This variant has not been reported in the literature in individuals with GAN-related conditions. Algorithms developed to predict the effect of missense changes on protein structure and function are either unavailable or do not agree on the potential impact of this missense change (SIFT: "Deleterious"; PolyPhen-2: "Benign"; Align-GVGD: "Class C0"). In summary, the available evidence is currently insufficient to determine the role of this variant in disease. Therefore, it has been classified as a Variant of Uncertain Significance.